The following is an entry in ClinVar:

NM_001042681.2(RERE):c.4286A>G (p.His1429Arg)

Gene: RERE (arginine-glutamic acid dipeptide repeats; minus strand). Cytogenetic location: 1p36.23.
Variant type: single nucleotide variant.
Coding change: c.4286A>G on transcript NM_001042681.2 (MANE Select); coding-DNA position 4286, A replaced by G.
Protein change: p.His1429Arg; replaces histidine 1429 with arginine.
Molecular consequence: missense variant.
Genome position (GRCh38, 1-based): chr1:8,358,249, T>C on the plus strand (A>G on the coding strand, the complement: RERE is on the minus strand). VCF-style: chr1-8358249-T-C. GRCh37 (hg19) VCF-style: chr1-8418309-T-C.
Other names: c.2624A>G, p.His875Arg (NM_001042682.2); c.4286A>G, p.His1429Arg (NM_012102.4); short protein forms H1429R, H875R.
Identifiers: ClinVar variation 379827 (VCV000379827.4), dbSNP rs1057520747, ClinGen allele CA16603765.

ClinVar aggregate classification (germline): Likely pathogenic. Review status: criteria provided, multiple submitters, no conflicts (2 of 4 stars). 3 submissions from 3 submitters: Likely pathogenic (3). Last evaluated 2026-01-29.

Conditions:
RERE-related disorder. Also called: RERE-Related Disorders; RERE-related condition. Identifiers: MedGen CN381537.
Neurodevelopmental disorder with or without anomalies of the brain, eye, or heart (NEDBEH). Identifiers: Orphanet 494344, MedGen C5567477, MONDO:0014857, OMIM 616975.

Submissions (3):

PreventionGenetics, part of Exact Sciences
Classification: Likely pathogenic for RERE-related condition. Last evaluated: 2026-01-29. Review status: criteria provided, single submitter. Criteria: ACMG Guidelines, 2015. Collection method: clinical testing. Allele origin: germline.
Comment: The RERE c.4286A>G variant is predicted to result in the amino acid substitution p.His1429Arg. This variant has been reported as a de novo variant in an individual with developmental disorders (patient GDX_17058; Supplementary Table 1, Kaplanis et al. 2020. PubMed ID: 33057194; Supplementary data 3, Zhou et al. 2022. PubMed ID: 35982159). This variant has not been reported in a large population database (gnomAD), indicating this variant is rare. This variant is interpreted as likely pathogenic in ClinVar (ClinVar ID: 379827). This variant is interpreted as likely pathogenic.

Daryl Scott Lab, Baylor College of Medicine
Classification: Likely pathogenic for Neurodevelopmental disorder with or without anomalies of the brain, eye, or heart. Last evaluated: 2025-08-05. Review status: criteria provided, single submitter. Criteria: ACMG Guidelines, 2015. Collection method: clinical testing. Allele origin: de novo. Affected: yes. Observed: 1 heterozygote.
Comment: PS2, PM1, PM2, PP3

GeneDx
Classification: Likely pathogenic. Last evaluated: 2016-09-07. Review status: criteria provided, single submitter. Criteria: GeneDx Variant Classification (06012015). Collection method: clinical testing. Allele origin: germline. Affected: yes.
Comment: The H1429R variant in the RERE gene has not been reported previously as a pathogenic variant, nor as a benign variant, to our knowledge. The H1429R variant was not observed in approximately 6500 individuals of European and African American ancestry in the NHLBI Exome Sequencing Project, indicating it is not a common benign variant in these populations. The H1429R variant is a conservative amino acid substitution, which is not likely to impact secondary protein structure as these residues share similar properties. This substitution occurs at a position that is conserved across species and in silico analysis predicts this variant is probably damaging to the protein structure/function. Therefore, we interpret H1429R as a likely pathogenic variant.